The following is an entry in ClinVar:

NM_006767.4(LZTR1):c.1960G>C (p.Asp654His)

Gene: LZTR1 (leucine zipper like post translational regulator 1; plus strand). Cytogenetic location: 22q11.21.
Variant type: single nucleotide variant.
Coding change: c.1960G>C on transcript NM_006767.4 (MANE Select); coding-DNA position 1960, G replaced by C.
Protein change: p.Asp654His; replaces aspartic acid 654 with histidine.
Molecular consequence: missense variant.
Genome position (GRCh38, 1-based): chr22:20,995,763, G>C. VCF-style: chr22-20995763-G-C. GRCh37 (hg19) VCF-style: chr22-21350052-G-C.
Other names: short protein forms D654H.
Identifiers: ClinVar variation 1907759 (VCV001907759.6), dbSNP rs1924812950, ClinGen allele CA410778957.

ClinVar aggregate classification (germline): Uncertain significance. Review status: criteria provided, multiple submitters, no conflicts (2 of 4 stars). 2 submissions from 2 submitters: Uncertain significance (2). Last evaluated 2023-12-19.

Conditions:
LZTR1-related schwannomatosis. Also called: Schwannomatosis 2; Schwannomatosis-2, susceptibility to. Identifiers: Orphanet 93921, MedGen C3810283, MONDO:0014299, OMIM 615670.

gnomAD v4.1: 2 of 1,613,610 alleles (0.00012%); highest among the groups gnomAD compares: Non-Finnish European, 0.00017%; no homozygotes.

Submissions (2):

Baylor Genetics
Classification: Uncertain significance for LZTR1-related schwannomatosis. Last evaluated: 2023-12-19. Review status: criteria provided, single submitter. Criteria: ACMG Guidelines, 2015. Collection method: clinical testing. Allele origin: unknown.

Labcorp Genetics (formerly Invitae), Labcorp
Classification: Uncertain significance. Last evaluated: 2022-03-23. Review status: criteria provided, single submitter. Criteria: Invitae Variant Classification Sherloc (09022015). Collection method: clinical testing. Allele origin: germline.
Comment: In summary, the available evidence is currently insufficient to determine the role of this variant in disease. Therefore, it has been classified as a Variant of Uncertain Significance. Algorithms developed to predict the effect of sequence changes on RNA splicing suggest that this variant may disrupt the consensus splice site. Algorithms developed to predict the effect of missense changes on protein structure and function (SIFT, PolyPhen-2, Align-GVGD) all suggest that this variant is likely to be disruptive. This variant has not been reported in the literature in individuals affected with LZTR1-related conditions. This variant is not present in population databases (gnomAD no frequency). This sequence change replaces aspartic acid, which is acidic and polar, with histidine, which is basic and polar, at codon 654 of the LZTR1 protein (p.Asp654His).